The following is an entry in ClinVar:

ClinVar aggregate classification (germline): Pathogenic. Review status: criteria provided, multiple submitters, no conflicts (2 of 4 stars). 9 submissions from 9 submitters: Pathogenic (6). 3 of the submissions do not count toward it. Last evaluated 2025-06-23.

Conditions:
Hereditary breast ovarian cancer syndrome. Also called: BRCA1- and BRCA2-Associated Hereditary Breast and Ovarian Cancer; Hereditary breast and ovarian cancer syndrome; Hereditary breast and ovarian cancer syndrome (HBOC); Breast and ovarian cancer; Hereditary breast and/or ovarian cancer syndrome; Hereditary breast and ovarian cancer. Identifiers: Orphanet 145, MedGen C0677776, MeSH D061325, MONDO:0003582. Disease mechanism: loss of function.
Breast-ovarian cancer, familial, susceptibility to, 1 (BROVCA1). Also called: BRCA1 Hereditary Breast and Ovarian Cancer; OVARIAN CANCER, SUSCEPTIBILITY TO. Identifiers: Orphanet 145, MedGen C2676676, MONDO:0011450, OMIM 604370. Disease mechanism: loss of function.
Hereditary cancer-predisposing syndrome. Also called: Hereditary Cancer Syndrome; Hereditary neoplastic syndrome; Neoplastic Syndromes, Hereditary; Tumor predisposition. Identifiers: Orphanet 140162, MedGen C0027672, MeSH D009386, MONDO:0015356.

Submissions (10):

Labcorp Genetics (formerly Invitae), Labcorp
Classification: Pathogenic for Hereditary breast ovarian cancer syndrome. Last evaluated: 2025-06-23. Review status: criteria provided, single submitter. Criteria: Invitae Variant Classification Sherloc (09022015). Collection method: clinical testing. Allele origin: germline.
Comment: This sequence change affects a donor splice site in intron 3 of the BRCA1 gene. RNA analysis indicates that disruption of this splice site induces altered splicing and may result in an absent or altered protein product. This variant is not present in population databases (gnomAD no frequency). Disruption of this splice site has been observed in individual(s) with breast and/or ovarian cancer (PMID: 29484706, 30078507). ClinVar contains an entry for this variant (Variation ID: 91547). Algorithms developed to predict the effect of variants on gene product structure and function are not available or were not evaluated for this variant. Experimental studies have shown that disruption of this splice site affects BRCA1 function (PMID: 30209399). Studies have shown that disruption of this splice site results in skipping of exon 3, and produces a non-functional protein and/or introduces a premature termination codon (internal data). For these reasons, this variant has been classified as Pathogenic.

Color Diagnostics, LLC DBA Color Health
Classification: Pathogenic for Hereditary cancer-predisposing syndrome. Last evaluated: 2024-01-09. Review status: criteria provided, single submitter. Criteria: ACMG Guidelines, 2015. Collection method: clinical testing. Allele origin: germline.
Comment: This variant causes a T to C nucleotide substitution at the +2 position of intron 3 of the BRCA1 gene. This variant is also known as IVS3+2T>C based on Breast Cancer Information Core (BIC) nomenclature. Splice site prediction tools predict that this variant may have a significant impact on RNA splicing. Although this prediction has not been confirmed in published RNA studies, this variant is expected to result in an absent or disrupted protein product. This variant has been reported to be loss-of-function in a haploid cell proliferation assay (PMID: 30209399). This variant has been detected in two individuals affected with breast cancer (PMID: 35886069; Color internal data). Different variants affecting the same splice donor site, c.134+2T>G, c.134+1G>T, c.134+1G>A and c.134+1G>C, are known to be disease-causing (ClinVar variation ID: 54210, 54209, 267499, 125563). This variant creates an alternative donor site beginning with a GC dinucleotide. Some GC variant donor sites have been shown to generate variable levels of wild-type transcript (PMID: 31131953). Hence, this variant could be less penetrant than a conventional splice donor site loss variant. This variant has not been identified in the general population by the Genome Aggregation Database (gnomAD). Based on the available evidence, this variant is classified as Pathogenic.

Quest Diagnostics Nichols Institute San Juan Capistrano
Classification: Pathogenic. Last evaluated: 2023-12-15. Review status: criteria provided, single submitter. Criteria: Quest Diagnostics criteria. Collection method: clinical testing. Allele origin: unknown.
Comment: The BRCA1 c.134+2T>C variant disrupts a canonical splice-donor site and interferes with normal BRCA1 mRNA splicing. This variant has been reported in the published literature in individuals affected with breast and/or ovarian cancer (PMIDs: 32438681 (2020), 30209399 (2018), 30078507 (2018), 29484706 (2018)). This variant has not been reported in large, multi-ethnic general populations (Genome Aggregation Database). Based on the available information, this variant is classified as pathogenic.

Ambry Genetics
Classification: Pathogenic for Hereditary cancer-predisposing syndrome. Last evaluated: 2023-08-28. Review status: criteria provided, single submitter. Criteria: Ambry Variant Classification Scheme 2023. Collection method: clinical testing. Allele origin: germline.
Comment: The c.134+2T>C intronic pathogenic mutation results from a T to C substitution two nucleotides after coding exon 2 in the BRCA1 gene. This nucleotide position is highly conserved in available vertebrate species. This alteration has been reported in the literature in individuals with suspected hereditary breast and ovarian cancer (Li A et al. Gynecol Oncol, 2018 10;151:145-152, Guacci A et al. J Clin Lab Anal, 2018 Jul;32:e22418, Rebbeck TR et al. Hum Mutat, 2018 05;39:593-620, Santonocito C et al. Cancers (Basel), 2020 May;12:). One functional study found that this nucleotide substitution is non-functional in a high-throughput, genome editing, haploid cell survival assay (Findlay GM et al. Nature, 2018 10;562:217-222). In silico splice site analysis predicts that this alteration will weaken the native splice donor site; however direct evidence is insufficient (Ambry internal data). In addition to the clinical data presented in the literature, alterations that disrupt the canonical splice site are expected to cause aberrant splicing, resulting in an abnormal protein or a transcript that is subject to nonsense-mediated mRNA decay. As such, this alteration is classified as a disease-causing mutation.

Baylor Genetics
Classification: Pathogenic for Breast-ovarian cancer, familial, susceptibility to, 1. Last evaluated: 2023-03-16. Review status: criteria provided, single submitter. Criteria: ACMG Guidelines, 2015. Collection method: clinical testing. Allele origin: unknown.

Consortium of Investigators of Modifiers of BRCA1/2 (CIMBA), c/o University of Cambridge
Classification: Pathogenic for Breast-ovarian cancer, familial, susceptibility to, 1. Last evaluated: 2015-10-02. Review status: criteria provided, single submitter. Criteria: CIMBA Mutation Classification guidelines May 2016. Collection method: clinical testing. Allele origin: germline.

KCCC/NGS Laboratory, Kuwait Cancer Control Center
Classification: Pathogenic for Breast-ovarian cancer, familial, susceptibility to, 1. Last evaluated: 2023-05-05. Review status: no assertion criteria provided. Collection method: clinical testing. Allele origin: germline. Affected: yes. Not counted in ClinVar's aggregate classification.
Comment: This mutation is reported in ClinVar and other databases as pathogenic.

Breast Cancer Information Core (BIC) (BRCA1)
Classification: Pathogenic for Breast-ovarian cancer, familial 1. Last evaluated: 2010-09-12. Review status: no assertion criteria provided. Collection method: clinical testing. Allele origin: germline. Affected: yes. Observed: 1 variant allele. Not counted in ClinVar's aggregate classification.

Sharing Clinical Reports Project (SCRP)
Classification: Pathogenic for Breast-ovarian cancer, familial 1. Last evaluated: 2007-11-01. Review status: no assertion criteria provided. Collection method: clinical testing. Allele origin: germline. Not counted in ClinVar's aggregate classification.

Brotman Baty Institute, University of Washington
No classification provided (evidence only). Condition: Breast-ovarian cancer, familial 1. Review status: no classification provided. Collection method: in vitro. Allele origin: not applicable. Functional consequence: functionally_abnormal. Not counted in ClinVar's aggregate classification.
ClinVar note: "not provided" was previously submitted as the classification for the variant. However, the classification appeared to be based only on an observation of functional data so it was converted to no classification on 2025-07-30.

Literature cited by the submitters: PubMed 29484706 (cited by 3 submitters); PubMed 30078507 (cited by 3 submitters); PubMed 30209399 (cited by 4 submitters); PubMed 31131953 (cited by Color Diagnostics, LLC DBA Color Health); PubMed 35886069 (cited by Color Diagnostics, LLC DBA Color Health); PubMed 32438681 (cited by Quest Diagnostics Nichols Institute San Juan Capistrano and Ambry Genetics); PubMed 26295337 (cited by Quest Diagnostics Nichols Institute San Juan Capistrano); PubMed 29446198 (cited by Ambry Genetics); PubMed 20104584 (cited by KCCC/NGS Laboratory, Kuwait Cancer Control Center).

NM_007294.4(BRCA1):c.134+2T>C

Gene: BRCA1 (BRCA1 DNA repair associated; minus strand). Cytogenetic location: 17q21.31.
Variant type: single nucleotide variant.
Coding change: c.134+2T>C on transcript NM_007294.4 (MANE Select); the canonical splice donor site of the intron after coding-DNA position 134, T replaced by C.
Molecular consequence: splice donor variant. On other transcripts: intron variant (42).
Genome position (GRCh38, 1-based): chr17:43,115,724, A>G on the plus strand (T>C on the coding strand, the complement: BRCA1 is on the minus strand). VCF-style: chr17-43115724-A-G. GRCh37 (hg19) VCF-style: chr17-41267741-A-G.
Other names: IVS3+2T>C; c.134+2T>C (NM_001408412.1, NM_001407656.1, NM_001407657.1 and 191 more transcripts); c.-55+2T>C (NM_001408509.1, NM_001408508.1, NM_001408491.1 and 52 more transcripts); c.-8+2T>C (NM_001407921.1, NM_001408466.1, NM_001408452.1 and 47 more transcripts); c.-219+9547T>C (NM_001407966.1); c.-170+9547T>C (NM_001407963.1); c.-7-9191T>C (NM_001408511.1, NM_001408457.1, NM_001407692.1 and 2 more transcripts); c.-170+2T>C (NM_001407960.1, NM_001407962.1, NM_001408512.1 and 1 more transcripts); and 11 more.
Identifiers: ClinVar variation 91547 (VCV000091547.66), dbSNP rs80358131, ClinGen allele CA000882.